The following is an entry in ClinVar:

NM_001042492.3(NF1):c.1641+1G>A

Gene: NF1 (neurofibromin 1; plus strand). Cytogenetic location: 17q11.2.
Variant type: single nucleotide variant.
Coding change: c.1641+1G>A on transcript NM_001042492.3 (MANE Select); the canonical splice donor site of the intron after coding-DNA position 1641, G replaced by A.
Molecular consequence: splice donor variant.
Genome position (GRCh38, 1-based): chr17:31,219,119, G>A. VCF-style: chr17-31219119-G-A. GRCh37 (hg19) VCF-style: chr17-29546137-G-A.
Other names: c.1641+1G>A (NM_001042492.2, NM_000267.4, NM_001128147.3).
Identifiers: ClinVar variation 457539 (VCV000457539.16), dbSNP rs1555612866, ClinGen allele CA399002191.

ClinVar aggregate classification (germline): Pathogenic/Likely pathogenic. Review status: criteria provided, multiple submitters, no conflicts (2 of 4 stars). 6 submissions from 6 submitters: Pathogenic (3); Likely pathogenic (3). Last evaluated 2026-01-05.

Conditions:
NF1-related disorder. Also called: NF1-related condition. Identifiers: MedGen CN379171.
Neurofibromatosis, type 1 (NF1). Also called: Peripheral type neurofibromatosis; VON RECKLINGHAUSEN DISEASE; NEUROFIBROMATOSIS, TYPE I, SOMATIC; Neurofibromatosis, type I. Identifiers: Orphanet 636, MedGen C0027831, MONDO:0018975, OMIM 162200. Disease mechanism: loss of function.

Allele frequency attached by ClinVar (database versions not stated): gnomAD exomes below 0.00001.
gnomAD v4.1: 1 of 1,612,688 alleles (0.000062%); no homozygotes.

Submissions (7):

PreventionGenetics, part of Exact Sciences
Classification: Pathogenic for NF1-related condition. Last evaluated: 2026-01-05. Review status: criteria provided, single submitter. Criteria: ACMG Guidelines, 2015. Collection method: clinical testing. Allele origin: germline.
Comment: The NF1 c.1641+1G>A variant is predicted to disrupt the GT donor site and interfere with normal splicing. This variant was reported in an individual with neurofibromatosis type 1 (Tsipi et al. 2018. PubMed ID: 30308447). Additionally, different variants affecting this splice site (c.1641+1G>T and c.1641+2T>A) have been found in individuals with neurofibromatosis type 1 (Fahsold et al. 2000. PubMed ID: 10712197; Sabbagh et al. 2013. PubMed ID: 23913538). This variant has not been reported in a large population database (gnomAD), indicating this variant is rare. Variants that disrupt the consensus splice donor site in NF1 are expected to be pathogenic. This variant is interpreted as pathogenic.

Labcorp Genetics (formerly Invitae), Labcorp
Classification: Pathogenic for Neurofibromatosis, type 1. Last evaluated: 2025-10-24. Review status: criteria provided, single submitter. Criteria: Invitae Variant Classification Sherloc (09022015). Collection method: clinical testing. Allele origin: germline.
Comment: This sequence change affects a donor splice site in intron 14 of the NF1 gene. It is expected to disrupt RNA splicing. Variants that disrupt the donor or acceptor splice site typically lead to a loss of protein function (PMID: 16199547), and loss-of-function variants in NF1 are known to be pathogenic (PMID: 10712197, 23913538). This variant is not present in population databases (gnomAD no frequency). Disruption of this splice site has been observed in individual(s) with clinical features of neurofibromatosis type 1 (PMID: 10712197, 30308447; internal data). Invitae Evidence Modeling of clinical and family history, age, sex, and reported ancestry of multiple individuals with this NF1 variant has been performed. This variant is expected to be pathogenic with a positive predictive value of at least 99%. This is a validated machine learning model that incorporates the clinical features of 1,785,918 individuals referred to our laboratory for NF1 testing. ClinVar contains an entry for this variant (Variation ID: 457539). Algorithms developed to predict the effect of sequence changes on RNA splicing suggest that this variant may disrupt the consensus splice site. For these reasons, this variant has been classified as Pathogenic.

NHS Central & South Genomic Laboratory Hub
Classification: Likely pathogenic for Neurofibromatosis type 1. Last evaluated: 2025-04-09. Review status: criteria provided, single submitter. Criteria: ACMG Guidelines, 2015. Collection method: clinical testing. Allele origin: germline. Affected: yes.

GeneDx
Classification: Likely pathogenic. Last evaluated: 2024-02-14. Review status: criteria provided, single submitter. Criteria: GeneDx Variant Classification Process June 2021. Collection method: clinical testing. Allele origin: germline. Affected: yes.
Comment: Observed in a pediatric patient with multiple cafe-au-lait macules (PMID: 30308447); Canonical splice site variant predicted to result in an in-frame loss of the adjacent exon in a gene for which loss of function is a known mechanism of disease; Deletions involving coding exons of this gene are a known mechanism of disease (HGMD); Not observed at significant frequency in large population cohorts (gnomAD); This variant is associated with the following publications: (PMID: 28422736, 22155606, 14635100, 30308447, 25486365)

Genome-Nilou Lab
Classification: Likely pathogenic for Neurofibromatosis, type 1. Last evaluated: 2022-03-15. Review status: criteria provided, single submitter. Criteria: ACMG Guidelines, 2015. Collection method: clinical testing. Allele origin: germline. Affected: no.

Blueprint Genetics
Classification: Pathogenic for NF1-related disorders. Last evaluated: 2021-10-21. Review status: criteria provided, single submitter. Criteria: ACMG Guidelines, 2015. Collection method: clinical testing. Allele origin: germline. Affected: yes. Observed: 1 variant allele.

MutSpliceDB: a database of splice sites variants effects on splicing, NIH
No classification provided (evidence only). Review status: no classification provided. Collection method: in vitro. Allele origin: not applicable. Functional consequence: retained intron. Not counted in ClinVar's aggregate classification.

Literature cited by the submitters: PubMed 16199547 (cited by Labcorp Genetics (formerly Invitae), Labcorp); PubMed 10712197 (cited by Labcorp Genetics (formerly Invitae), Labcorp); PubMed 23913538 (cited by Labcorp Genetics (formerly Invitae), Labcorp); PubMed 30308447 (cited by Labcorp Genetics (formerly Invitae), Labcorp).